The following is an entry in ClinVar:

NM_017780.4(CHD7):c.3055T>G (p.Phe1019Val)

Gene: CHD7 (chromodomain helicase DNA binding protein 7; plus strand). Cytogenetic location: 8q12.2.
Variant type: single nucleotide variant.
Coding change: c.3055T>G on transcript NM_017780.4 (MANE Select); coding-DNA position 3055, T replaced by G.
Protein change: p.Phe1019Val; replaces phenylalanine 1019 with valine.
Molecular consequence: missense variant. On other transcripts: intron variant (1).
Genome position (GRCh38, 1-based): chr8:60,822,600, T>G. VCF-style: chr8-60822600-T-G. GRCh37 (hg19) VCF-style: chr8-61735159-T-G.
Other names: c.1717-39629T>G (NM_001316690.1); short protein forms F1019V.
Identifiers: ClinVar variation 3367988 (VCV003367988.1).
Genomic context (GRCh38, chr8:60,822,600, plus strand): 5'-AAAACTATCCAGTCCATTACATTTCTCTATGAGATATATTTGAAAGGAATCCATGGCCCT[T>G]TTTTAGTAATTGCCCCATTGTCCACAATCCCCAACTGGGAAAGGGAATTCCGAACCTGGA-3'
Protein context (NP_060250.2, residues 1009-1029): EIYLKGIHGP[Phe1019Val]LVIAPLSTIP

ClinVar aggregate classification (germline): Uncertain significance (1 of 4 stars; one submission).

Submission:

GeneDx
Classification: Uncertain significance. Last evaluated: 2024-01-19. Review status: criteria provided, single submitter. Criteria: GeneDx Variant Classification Process June 2021. Collection method: clinical testing. Allele origin: germline. Affected: yes.
Comment: Not observed at significant frequency in large population cohorts (gnomAD); In silico analysis supports that this missense variant has a deleterious effect on protein structure/function; Has not been previously published as pathogenic or benign to our knowledge